The following is an entry in ClinVar:

NM_001004334.4(GPR179):c.5718T>G (p.His1906Gln)

Gene: GPR179 (G protein-coupled receptor 179; minus strand). Cytogenetic location: 17q12.
Variant type: single nucleotide variant.
Coding change: c.5718T>G on transcript NM_001004334.4 (MANE Select); coding-DNA position 5718, T replaced by G.
Protein change: p.His1906Gln; replaces histidine 1906 with glutamine.
Molecular consequence: missense variant.
Genome position (GRCh38, 1-based): chr17:38,327,851, A>C on the plus strand (T>G on the coding strand, the complement: GPR179 is on the minus strand). VCF-style: chr17-38327851-A-C. GRCh37 (hg19) VCF-style: chr17-36483734-A-C.
Other names: short protein forms H1906Q.
Identifiers: ClinVar variation 1519747 (VCV001519747.7), dbSNP rs1312608034, ClinGen allele CA398871013.

ClinVar aggregate classification (germline): Uncertain significance. Review status: criteria provided, multiple submitters, no conflicts (2 of 4 stars). 2 submissions from 2 submitters: Uncertain significance (2). Last evaluated 2021-12-10.

Allele frequency attached by ClinVar (database versions not stated): gnomAD exomes below 0.00001.
gnomAD v4.1: 2 of 1,614,130 alleles (0.00012%); highest among the groups gnomAD compares: Admixed American, 0.0017%; no homozygotes.

Submissions (2):

Labcorp Genetics (formerly Invitae), Labcorp
Classification: Uncertain significance. Last evaluated: 2021-12-10. Review status: criteria provided, single submitter. Criteria: Invitae Variant Classification Sherloc (09022015). Collection method: clinical testing. Allele origin: germline.
Comment: In summary, the available evidence is currently insufficient to determine the role of this variant in disease. Therefore, it has been classified as a Variant of Uncertain Significance. Algorithms developed to predict the effect of missense changes on protein structure and function output the following: SIFT: "Tolerated"; PolyPhen-2: "Benign"; Align-GVGD: "Class C0". The glutamine amino acid residue is found in multiple mammalian species, which suggests that this missense change does not adversely affect protein function. This variant has not been reported in the literature in individuals affected with GPR179-related conditions. This variant is present in population databases (no rsID available, gnomAD 0.003%). This sequence change replaces histidine, which is basic and polar, with glutamine, which is neutral and polar, at codon 1906 of the GPR179 protein (p.His1906Gln).

Blueprint Genetics
Classification: Uncertain significance. Last evaluated: 2018-12-13. Review status: criteria provided, single submitter. Criteria: ACMG Guidelines, 2015. Collection method: clinical testing. Allele origin: germline.